The following is an entry in ClinVar:

NM_032108.4(SEMA6B):c.507C>T (p.Ser169=)

Gene: SEMA6B (semaphorin 6B; minus strand). Cytogenetic location: 19p13.3.
Variant type: single nucleotide variant.
Coding change: c.507C>T on transcript NM_032108.4 (MANE Select); coding-DNA position 507, C replaced by T.
Protein change: p.Ser169=; no amino-acid change (serine 169 retained).
Molecular consequence: synonymous variant.
Genome position (GRCh38, 1-based): chr19:4,555,529, G>A on the plus strand (C>T on the coding strand, the complement: SEMA6B is on the minus strand). VCF-style: chr19-4555529-G-A. GRCh37 (hg19) VCF-style: chr19-4555541-G-A.
Identifiers: ClinVar variation 735989 (VCV000735989.6), dbSNP rs146414829, ClinGen allele CA9102839.

ClinVar aggregate classification (germline): Likely benign. Review status: criteria provided, single submitter (1 of 4 stars). 2 submissions from 2 submitters: Likely benign (1). 1 of the submissions does not count toward it. Last evaluated 2019-12-31.

Conditions:
SEMA6B-related disorder. Also called: SEMA6B-related condition.

Allele frequency attached by ClinVar (database versions not stated): gnomAD 0.00001 and 0.00002; gnomAD exomes 0.00003 and 0.00005; TOPMed 0.00003; ExAC 0.00008; ESP Exome Variant Server 0.00023.
gnomAD v4.1: 42 of 1,613,540 alleles (0.0026%); highest among the groups gnomAD compares: Middle Eastern, 0.017%; no homozygotes.

Submissions (2):

Labcorp Genetics (formerly Invitae), Labcorp
Classification: Likely benign. Last evaluated: 2019-12-31. Review status: criteria provided, single submitter. Criteria: Invitae Variant Classification Sherloc (09022015). Collection method: clinical testing. Allele origin: germline.

PreventionGenetics, part of Exact Sciences
Classification: Likely benign for SEMA6B-related condition. Last evaluated: 2019-03-20. Review status: no assertion criteria provided. Collection method: clinical testing. Allele origin: germline. Not counted in ClinVar's aggregate classification.
Comment: This variant is classified as likely benign based on ACMG/AMP sequence variant interpretation guidelines (Richards et al. 2015 PMID: 25741868, with internal and published modifications).